The following is an entry in ClinVar:

NM_184085.2(TRIM55):c.216A>T (p.Ser72=)

Gene: TRIM55 (tripartite motif containing 55; plus strand). Cytogenetic location: 8q13.1.
Variant type: single nucleotide variant.
Coding change: c.216A>T on transcript NM_184085.2 (MANE Select); coding-DNA position 216, A replaced by T.
Protein change: p.Ser72=; no amino-acid change (serine 72 retained).
Molecular consequence: synonymous variant.
Genome position (GRCh38, 1-based): chr8:66,128,351, A>T. VCF-style: chr8-66128351-A-T. GRCh37 (hg19) VCF-style: chr8-67040586-A-T.
Other names: c.216A>T, p.Ser72= (NM_033058.3, NM_184086.2, NM_184087.2).
Identifiers: ClinVar variation 3035048 (VCV003035048.2), dbSNP rs2536754657, ClinGen allele CA461150694.

ClinVar aggregate classification (germline): Likely benign (0 of 4 stars; one submission).

Conditions:
TRIM55-related disorder. Also called: TRIM55-related condition.

gnomAD v4.1: 2 of 1,613,414 alleles (0.00012%); highest among the groups gnomAD compares: Non-Finnish European, 0.00017%; no homozygotes.

Submission:

PreventionGenetics, part of Exact Sciences
Classification: Likely benign for TRIM55-related condition. Last evaluated: 2019-08-09. Review status: no assertion criteria provided. Collection method: clinical testing. Allele origin: germline.
Comment: This variant is classified as likely benign based on ACMG/AMP sequence variant interpretation guidelines (Richards et al. 2015 PMID: 25741868, with internal and published modifications).